The following is an entry in ClinVar:

ClinVar aggregate classification (germline): Uncertain significance (1 of 4 stars; one submission).

gnomAD v4.1: 1 of 1,612,634 alleles (0.000062%); highest among the groups gnomAD compares: Non-Finnish European, 0.000085%; no homozygotes.

Submission:

Women's Health and Genetics/Laboratory Corporation of America, LabCorp
Classification: Uncertain significance. Last evaluated: 2025-04-08. Review status: criteria provided, single submitter. Criteria: LabCorp Variant Classification Summary - May 2015. Collection method: clinical testing. Allele origin: germline.
Comment: Variant summary: ALOX12B c.772T>C (p.Trp258Arg) results in a non-conservative amino acid change located in the Lipoxygenase iron-binding catalytic domain (IPR013819) of the encoded protein sequence. Four of four in-silico tools predict a damaging effect of the variant on protein function. The variant was absent in 245296 control chromosomes. The available data on variant occurrences in the general population are insufficient to allow any conclusion about variant significance. c.772T>C has been reported in the literature in individual(s) affected with Ichthyosis without sufficient information (Sun_2022). These report(s) do not provide unequivocal conclusions about association of the variant with Lamellar Ichthyosis. To our knowledge, no experimental evidence demonstrating an impact on protein function has been reported. The following publication has been ascertained in the context of this evaluation (PMID: 34851365). No submitters have cited clinical-significance assessments for this variant to ClinVar. Based on the evidence outlined above, the variant was classified as uncertain significance.

Literature cited by the submitters: PubMed 34851365.

NM_001139.3(ALOX12B):c.772T>C (p.Trp258Arg)

Genes: ALOX12B (arachidonate 12-lipoxygenase, 12R type; minus strand), LOC130060196 (ATAC-STARR-seq lymphoblastoid active region 11660; plus strand). Cytogenetic location: 17p13.1.
Variant type: single nucleotide variant.
Coding change: c.772T>C on transcript NM_001139.3 (MANE Select); coding-DNA position 772, T replaced by C.
Protein change: p.Trp258Arg; replaces tryptophan 258 with arginine.
Molecular consequence: missense variant.
Genome position (GRCh38, 1-based): chr17:8,079,924, A>G on the plus strand (T>C on the coding strand, the complement: ALOX12B is on the minus strand). VCF-style: chr17-8079924-A-G. GRCh37 (hg19) VCF-style: chr17-7983242-A-G.
Other names: short protein forms W258R.
Identifiers: ClinVar variation 3896430 (VCV003896430.2).